The following is an entry in ClinVar:

NM_017849.4(TMEM127):c.327C>A (p.Ser109=)

Gene: TMEM127 (transmembrane protein 127; minus strand). Cytogenetic location: 2q11.2.
Variant type: single nucleotide variant.
Coding change: c.327C>A on transcript NM_017849.4 (MANE Select); coding-DNA position 327, C replaced by A.
Protein change: p.Ser109=; no amino-acid change (serine 109 retained).
Molecular consequence: synonymous variant.
Genome position (GRCh38, 1-based): chr2:96,254,915, G>T on the plus strand (C>A on the coding strand, the complement: TMEM127 is on the minus strand). VCF-style: chr2-96254915-G-T. GRCh37 (hg19) VCF-style: chr2-96920653-G-T.
Other names: c.327C>A, p.Ser109= (NM_001193304.3); c.75C>A, p.Ser25= (NM_001407282.1, NM_001407283.1).
Identifiers: ClinVar variation 4533118 (VCV004533118.1).

ClinVar aggregate classification (germline): Uncertain significance (1 of 4 stars; one submission).

Submission:

Quest Diagnostics Nichols Institute San Juan Capistrano
Classification: Uncertain significance. Last evaluated: 2025-04-17. Review status: criteria provided, single submitter. Criteria: Quest Diagnostics criteria. Collection method: clinical testing. Allele origin: unknown.
Comment: The TMEM127 c.327C>A (p.Ser109=) synonymous variant has not been reported in individuals with TMEM127-related conditions in the published literature. It also has not been reported in large, multi-ethnic general populations (Genome Aggregation Database). Analysis of this variant using software algorithms for the prediction of the effect of nucleotide changes on splicing yielded predictions that this variant does not affect TMEM127 mRNA splicing. Based on the available information, we are unable to determine the clinical significance of this variant.